The following is an entry in ClinVar:

NM_003482.4(KMT2D):c.5757G>A (p.Thr1919=)

Gene: KMT2D (lysine methyltransferase 2D; minus strand). Cytogenetic location: 12q13.12.
Variant type: single nucleotide variant.
Coding change: c.5757G>A on transcript NM_003482.4 (MANE Select); coding-DNA position 5757, G replaced by A.
Protein change: p.Thr1919=; no amino-acid change (threonine 1919 retained).
Molecular consequence: synonymous variant.
Genome position (GRCh38, 1-based): chr12:49,042,766, C>T on the plus strand (G>A on the coding strand, the complement: KMT2D is on the minus strand). VCF-style: chr12-49042766-C-T. GRCh37 (hg19) VCF-style: chr12-49436549-C-T.
Identifiers: ClinVar variation 2913209 (VCV002913209.5), dbSNP rs779005582, ClinGen allele CA6547454.

ClinVar aggregate classification (germline): Benign/Likely benign. Review status: criteria provided, multiple submitters, no conflicts (2 of 4 stars). 3 submissions from 3 submitters: Benign (1); Likely benign (2). Last evaluated 2025-09-30.

Conditions:
Kabuki syndrome. Also called: Kabuki make-up syndrome; NIIKAWA-KUROKI SYNDROME. Identifiers: Orphanet 2322, MedGen C0796004, MONDO:0016512.
KMT2D-related disorder. Also called: KMT2D-Related Disorders.

Allele frequency attached by ClinVar (database versions not stated): gnomAD exomes 0.00001; gnomAD 0.00002; ExAC 0.00003; TOPMed 0.00007.
gnomAD v4.1: 15 of 1,613,720 alleles (0.00093%); highest among the groups gnomAD compares: African/African-American, 0.0067%; no homozygotes.

Submissions (3):

Labcorp Genetics (formerly Invitae), Labcorp
Classification: Benign for Kabuki syndrome. Last evaluated: 2025-09-30. Review status: criteria provided, single submitter. Criteria: Invitae Variant Classification Sherloc (09022015). Collection method: clinical testing. Allele origin: germline.

PreventionGenetics, part of Exact Sciences
Classification: Likely benign for KMT2D-related condition. Last evaluated: 2025-05-08. Review status: criteria provided, single submitter. Criteria: ACMG Guidelines, 2015. Collection method: clinical testing. Allele origin: germline.
Comment: This variant is classified as likely benign based on ACMG/AMP sequence variant interpretation guidelines (Richards et al. 2015 PMID: 25741868, with internal and published modifications).

Blueprint Genetics
Classification: Likely benign. Last evaluated: 2022-08-09. Review status: criteria provided, single submitter. Criteria: ACMG Guidelines, 2015. Collection method: clinical testing. Allele origin: germline.